The following is an entry in ClinVar:

ClinVar aggregate classification (germline): Likely pathogenic (1 of 4 stars; one submission).

Conditions:
Glycogen storage disease, type V (GSD5). Also called: McArdle type glycogen storage disease; MCARDLE DISEASE; MUSCLE GLYCOGEN PHOSPHORYLASE DEFICIENCY; MYOPHOSPHORYLASE DEFICIENCY; PYGM DEFICIENCY. Identifiers: Orphanet 368, MedGen C0017924, MONDO:0009293, OMIM 232600.

gnomAD v4.1: 2 of 1,612,988 alleles (0.00012%); highest among the groups gnomAD compares: East Asian, 0.0045%; no homozygotes.

Submission:

Laboratory for Comprehensive Genomic Analysis, Riken
Classification: Likely pathogenic for Glycogen storage disease, type V. Last evaluated: 2024-11-18. Review status: criteria provided, single submitter. Criteria: ACMG Guidelines, 2015. Collection method: clinical testing, in vitro. Allele origin: germline, not applicable. Inheritance: Autosomal recessive inheritance. Affected: yes. Observed: 1 compound heterozygote. Functional consequence: sequence_variant_affecting_splicing.
Comment: The variant NM_005609.3; PM3: Our nanopore long-read sequencing proved that the variant c.1519-3T>G and another pathogenic variant c.347T>C were in trans. PP3: CADD, NNSplice, HumanSplicingFinder, NetGene2 all predicted deleteriousness or splicing change related to c.1519-3T>G. Thus, PM2, PM3, PP3, and PP4 suggested "likely pathogenic".

NM_005609.4(PYGM):c.1519-3T>G

Gene: PYGM (glycogen phosphorylase, muscle associated; minus strand). Cytogenetic location: 11q13.1.
Variant type: single nucleotide variant.
Coding change: c.1519-3T>G on transcript NM_005609.4 (MANE Select); 3 bases into the intron before coding-DNA position 1519, T replaced by G.
Molecular consequence: intron variant.
Genome position (GRCh38, 1-based): chr11:64,752,507, A>C on the plus strand (T>G on the coding strand, the complement: PYGM is on the minus strand). VCF-style: chr11-64752507-A-C. GRCh37 (hg19) VCF-style: chr11-64519979-A-C.
Other names: c.1255-3T>G (NM_001164716.1).
Identifiers: ClinVar variation 3387803 (VCV003387803.3).